The following is an entry in ClinVar:

NM_000548.5(TSC2):c.2607C>A (p.Phe869Leu)

Gene: TSC2 (TSC complex subunit 2; plus strand). Cytogenetic location: 16p13.3.
Variant type: single nucleotide variant.
Coding change: c.2607C>A on transcript NM_000548.5 (MANE Select); coding-DNA position 2607, C replaced by A.
Protein change: p.Phe869Leu; replaces phenylalanine 869 with leucine.
Molecular consequence: missense variant.
Genome position (GRCh38, 1-based): chr16:2,075,860, C>A. VCF-style: chr16-2075860-C-A. GRCh37 (hg19) VCF-style: chr16-2125861-C-A.
Other names: c.2607C>A, p.Phe869Leu (NM_001077183.3, NM_001114382.3, NM_001363528.2 and 3 more transcripts); c.2496C>A, p.Phe832Leu (NM_001318827.2); c.2460C>A, p.Phe820Leu (NM_001318829.2); c.2007C>A, p.Phe669Leu (NM_001318831.2); c.2640C>A, p.Phe880Leu (NM_001318832.2); short protein forms F869L, F820L, F880L, F669L, F832L.
Identifiers: ClinVar variation 1416223 (VCV001416223.11), dbSNP rs750336814, ClinGen allele CA319480.

ClinVar aggregate classification (germline): Uncertain significance. Review status: criteria provided, multiple submitters, no conflicts (2 of 4 stars). 4 submissions from 4 submitters: Uncertain significance (4). Last evaluated 2025-01-21.

Conditions:
Isolated focal cortical dysplasia type II (FCORD2). Also called: Focal cortical dysplasia type II; CORTICAL DYSPLASIA OF TAYLOR. Identifiers: Orphanet 268994, MedGen C1846385, MONDO:0011818, OMIM 607341, HP:0032051.
Hereditary cancer-predisposing syndrome. Also called: Hereditary neoplastic syndrome; Neoplastic Syndromes, Hereditary; Hereditary Cancer Syndrome; Tumor predisposition. Identifiers: Orphanet 140162, MedGen C0027672, MeSH D009386, MONDO:0015356.
Tuberous sclerosis 2 (TSC2). Identifiers: Orphanet 805, MedGen C1860707, MONDO:0013199, OMIM 613254.
Lymphangiomyomatosis (LAM). Also called: Lymphangioleiomyomatosis, somatic; Lymphangioleiomyomatosis. Identifiers: Orphanet 538, MedGen C0751674, MONDO:0011705, OMIM 606690.

Allele frequency attached by ClinVar (database versions not stated): TOPMed below 0.00001.

Submissions (4):

Labcorp Genetics (formerly Invitae), Labcorp
Classification: Uncertain significance for Tuberous sclerosis 2. Last evaluated: 2025-01-21. Review status: criteria provided, single submitter. Criteria: Invitae Variant Classification Sherloc (09022015). Collection method: clinical testing. Allele origin: germline.
Comment: This sequence change replaces phenylalanine, which is neutral and non-polar, with leucine, which is neutral and non-polar, at codon 869 of the TSC2 protein (p.Phe869Leu). This variant is not present in population databases (gnomAD no frequency). This variant has not been reported in the literature in individuals affected with TSC2-related conditions. ClinVar contains an entry for this variant (Variation ID: 1416223). Invitae Evidence Modeling of protein sequence and biophysical properties (such as structural, functional, and spatial information, amino acid conservation, physicochemical variation, residue mobility, and thermodynamic stability) indicates that this missense variant is not expected to disrupt TSC2 protein function with a negative predictive value of 95%. In summary, the available evidence is currently insufficient to determine the role of this variant in disease. Therefore, it has been classified as a Variant of Uncertain Significance.

Ambry Genetics
Classification: Uncertain significance for Hereditary cancer-predisposing syndrome. Last evaluated: 2024-12-30. Review status: criteria provided, single submitter. Criteria: Ambry Variant Classification Scheme 2023. Collection method: clinical testing. Allele origin: germline.
Comment: The p.F869L variant (also known as c.2607C>A), located in coding exon 22 of the TSC2 gene, results from a C to A substitution at nucleotide position 2607. The phenylalanine at codon 869 is replaced by leucine, an amino acid with highly similar properties. This amino acid position is highly conserved in available vertebrate species. In addition, this alteration is predicted to be deleterious by in silico analysis. Based on the available evidence, the clinical significance of this variant remains unclear.

Baylor Genetics
Classification: Uncertain significance for Isolated focal cortical dysplasia type II. Last evaluated: 2023-10-11. Review status: criteria provided, single submitter. Criteria: ACMG Guidelines, 2015. Collection method: clinical testing. Allele origin: unknown.

Fulgent Genetics
Classification: Uncertain significance for Lymphangiomyomatosis; Isolated focal cortical dysplasia type II; Tuberous sclerosis 2. Last evaluated: 2022-03-09. Review status: criteria provided, single submitter. Criteria: ACMG Guidelines, 2015. Collection method: clinical testing. Allele origin: unknown.